The following is an entry in ClinVar:

ClinVar aggregate classification (germline): Uncertain significance. Review status: criteria provided, multiple submitters, no conflicts (2 of 4 stars). 3 submissions from 3 submitters: Uncertain significance (3). Last evaluated 2023-12-04.

Conditions:
Ataxia-telangiectasia syndrome (AT). Also called: Ataxia-telangiectasia, complementation group E; Ataxia telangiectasia (A-T); LOUIS-BAR SYNDROME; Ataxia-telangiectasia, complementation group D; AT, COMPLEMENTATION GROUP C; Ataxia-telangiectasia. Identifiers: Orphanet 100, MedGen C0004135, MONDO:0008840, OMIM 208900.
Hereditary cancer-predisposing syndrome. Also called: Neoplastic Syndromes, Hereditary; Hereditary neoplastic syndrome; Tumor predisposition; Hereditary Cancer Syndrome. Identifiers: Orphanet 140162, MedGen C0027672, MeSH D009386, MONDO:0015356.

gnomAD v4.1: 1 of 1,480,784 alleles (0.000068%); highest among the groups gnomAD compares: Non-Finnish European, 0.000094%; no homozygotes.

Submissions (3):

Color Diagnostics, LLC DBA Color Health
Classification: Uncertain significance for Hereditary cancer-predisposing syndrome. Last evaluated: 2023-12-04. Review status: criteria provided, single submitter. Criteria: ACMG Guidelines, 2015. Collection method: clinical testing. Allele origin: germline.
Comment: This missense variant replaces tyrosine with phenylalanine at codon 1248 of the ATM protein. Computational prediction suggests that this variant may not impact protein structure and function (internally defined REVEL score threshold <= 0.5, PMID: 27666373). To our knowledge, functional studies have not been reported for this variant. This variant has not been reported in individuals affected with ATM-related disorders in the literature. This variant has not been identified in the general population by the Genome Aggregation Database (gnomAD). The available evidence is insufficient to determine the role of this variant in disease conclusively. Therefore, this variant is classified as a Variant of Uncertain Significance.

Labcorp Genetics (formerly Invitae), Labcorp
Classification: Uncertain significance for Ataxia-telangiectasia syndrome. Last evaluated: 2022-01-11. Review status: criteria provided, single submitter. Criteria: Invitae Variant Classification Sherloc (09022015). Collection method: clinical testing. Allele origin: germline.
Comment: This sequence change replaces tyrosine, which is neutral and polar, with phenylalanine, which is neutral and non-polar, at codon 1248 of the ATM protein (p.Tyr1248Phe). This variant is not present in population databases (gnomAD no frequency). This variant has not been reported in the literature in individuals affected with ATM-related conditions. ClinVar contains an entry for this variant (Variation ID: 834536). Advanced modeling of protein sequence and biophysical properties (such as structural, functional, and spatial information, amino acid conservation, physicochemical variation, residue mobility, and thermodynamic stability) performed at Invitae indicates that this missense variant is not expected to disrupt ATM protein function. In summary, the available evidence is currently insufficient to determine the role of this variant in disease. Therefore, it has been classified as a Variant of Uncertain Significance.

Ambry Genetics
Classification: Uncertain significance for Hereditary cancer-predisposing syndrome. Last evaluated: 2021-12-20. Review status: criteria provided, single submitter. Criteria: Ambry Variant Classification Scheme 2023. Collection method: clinical testing. Allele origin: germline.

NM_000051.4(ATM):c.3743A>T (p.Tyr1248Phe)

Gene: ATM (ATM serine/threonine kinase; plus strand). Cytogenetic location: 11q22.3.
Variant type: single nucleotide variant.
Coding change: c.3743A>T on transcript NM_000051.4 (MANE Select); coding-DNA position 3743, A replaced by T.
Protein change: p.Tyr1248Phe; replaces tyrosine 1248 with phenylalanine.
Molecular consequence: missense variant.
Genome position (GRCh38, 1-based): chr11:108,282,876, A>T. VCF-style: chr11-108282876-A-T. GRCh37 (hg19) VCF-style: chr11-108153603-A-T.
Other names: c.3743A>T, p.Tyr1248Phe (NM_001351834.2); short protein forms Y1248F.
Identifiers: ClinVar variation 834536 (VCV000834536.12), dbSNP rs766226370, ClinGen allele CA228366816.
Genomic context (GRCh38, chr11:108,282,876, plus strand): 5'-AATACAACTTATCTTCTTTTCCTTTTATTTTATTAAACTACACAAATATTGAGGATTTCT[A>T]TAGGTAAGTTTATACATGACATATGTGAAATTTGTTTAATTTAAAATTAGTTAACAATAC-3'
Protein context (NP_000042.3, residues 1238-1258): LLNYTNIEDF[Tyr1248Phe]RSCYKVLIPH